The following is an entry in ClinVar:

NM_006509.4(RELB):c.1454T>C (p.Leu485Pro)

Gene: RELB (RELB proto-oncogene, NF-kB subunit; plus strand). Cytogenetic location: 19q13.32.
Variant type: single nucleotide variant.
Coding change: c.1454T>C on transcript NM_006509.4 (MANE Select); coding-DNA position 1454, T replaced by C.
Protein change: p.Leu485Pro; replaces leucine 485 with proline.
Molecular consequence: missense variant.
Genome position (GRCh38, 1-based): chr19:45,037,504, T>C. VCF-style: chr19-45037504-T-C. GRCh37 (hg19) VCF-style: chr19-45540762-T-C.
Other names: short protein forms L485P.
Identifiers: ClinVar variation 1493382 (VCV001493382.6), dbSNP rs2122503729, ClinGen allele CA406309128.

ClinVar aggregate classification (germline): Uncertain significance (1 of 4 stars; one submission).

Submission:

Labcorp Genetics (formerly Invitae), Labcorp
Classification: Uncertain significance. Last evaluated: 2022-07-19. Review status: criteria provided, single submitter. Criteria: Invitae Variant Classification Sherloc (09022015). Collection method: clinical testing. Allele origin: germline.
Comment: Algorithms developed to predict the effect of missense changes on protein structure and function are either unavailable or do not agree on the potential impact of this missense change (SIFT: "Deleterious"; PolyPhen-2: "Probably Damaging"; Align-GVGD: "Class C0"). ClinVar contains an entry for this variant (Variation ID: 1493382). This variant has not been reported in the literature in individuals affected with RELB-related conditions. This variant is not present in population databases (gnomAD no frequency). This sequence change replaces leucine, which is neutral and non-polar, with proline, which is neutral and non-polar, at codon 485 of the RELB protein (p.Leu485Pro). In summary, the available evidence is currently insufficient to determine the role of this variant in disease. Therefore, it has been classified as a Variant of Uncertain Significance.